The following is an entry in ClinVar:

NM_000512.5(GALNS):c.707_708inv (p.His236Arg)

Gene: GALNS (galactosamine (N-acetyl)-6-sulfatase; minus strand). Cytogenetic location: 16q24.3.
Variant type: Inversion.
Coding change: c.707_708inv on transcript NM_000512.5 (MANE Select).
Protein change: p.His236Arg; replaces histidine 236 with arginine.
Molecular consequence: missense variant.
Genome position: GRCh38 VCF-style: chr16-88835775-GT-AC. GRCh37 (hg19) VCF-style: chr16-88902183-GT-AC.
Other names: c.152_153inv, p.His51Arg (NM_001323543.2); c.725_726inv, p.His242Arg (NM_001323544.2); short protein forms H242R, H236R, H51R.
Identifiers: ClinVar variation 1406013 (VCV001406013.5), ClinGen allele CA2573152753.

ClinVar aggregate classification (germline): Uncertain significance (1 of 4 stars; one submission).

Conditions:
Mucopolysaccharidosis, MPS-IV-A (MPS4A). Also called: Morquio syndrome A, mild; MORQUIO SYNDROME A; GALACTOSAMINE-6-SULFATASE DEFICIENCY; GALNS DEFICIENCY; MORQUIO A DISEASE; Mucopolysaccharidosis type IV A. Identifiers: Orphanet 309297, Orphanet 582, MedGen C0086651, MONDO:0009659, OMIM 253000.

Submission:

Labcorp Genetics (formerly Invitae), Labcorp
Classification: Uncertain significance for Mucopolysaccharidosis, MPS-IV-A. Last evaluated: 2024-04-29. Review status: criteria provided, single submitter. Criteria: Invitae Variant Classification Sherloc (09022015). Collection method: clinical testing. Allele origin: germline.
Comment: This sequence change replaces histidine with arginine at codon 236 of the GALNS protein (p.His236Arg). The histidine residue is highly conserved and there is a small physicochemical difference between histidine and arginine. Information on the frequency of this variant in the gnomAD database is not available, as this variant may be reported differently in the database. This variant has not been reported in the literature in individuals affected with GALNS-related conditions. ClinVar contains an entry for this variant (Variation ID: 1406013). An algorithm developed to predict the effect of missense changes on protein structure and function (PolyPhen-2) suggests that this variant is likely to be disruptive. This variant disrupts the p.His236 amino acid residue in GALNS. Other variant(s) that disrupt this residue have been determined to be pathogenic (PMID: 20574428, 34813777, 35212421). This suggests that this residue is clinically significant, and that variants that disrupt this residue are likely to be disease-causing. In summary, the available evidence is currently insufficient to determine the role of this variant in disease. Therefore, it has been classified as a Variant of Uncertain Significance.

Literature cited by the submitters: PubMed 20574428; PubMed 34813777; PubMed 35212421.